The following is an entry in ClinVar:

ClinVar aggregate classification (germline): Uncertain significance. Review status: criteria provided, multiple submitters, no conflicts (2 of 4 stars). 2 submissions from 2 submitters: Uncertain significance (2). Last evaluated 2025-07-31.

Conditions:
Gastrointestinal stromal tumor. Also called: Gastrointestinal stromal tumor, somatic; Gastrointestinal stroma tumor. Identifiers: Orphanet 44890, MedGen C0238198, MeSH D046152, MONDO:0011719, OMIM 606764, HP:0100723.
Hereditary cancer-predisposing syndrome. Also called: Hereditary neoplastic syndrome; Neoplastic Syndromes, Hereditary; Hereditary Cancer Syndrome; Tumor predisposition. Identifiers: Orphanet 140162, MedGen C0027672, MeSH D009386, MONDO:0015356.

Submissions (2):

Ambry Genetics
Classification: Uncertain significance for Hereditary cancer-predisposing syndrome. Last evaluated: 2025-07-31. Review status: criteria provided, single submitter. Criteria: Ambry Variant Classification Scheme 2023. Collection method: clinical testing. Allele origin: germline.
Comment: The p.E386G variant (also known as c.1157A>G), located in coding exon 7 of the PDGFRA gene, results from an A to G substitution at nucleotide position 1157. The glutamic acid at codon 386 is replaced by glycine, an amino acid with similar properties. This amino acid position is conserved. In addition, this alteration is predicted to be tolerated by in silico analysis. Based on the available evidence, the clinical significance of this variant remains unclear.

Labcorp Genetics (formerly Invitae), Labcorp
Classification: Uncertain significance for Gastrointestinal stromal tumor. Last evaluated: 2019-04-19. Review status: criteria provided, single submitter. Criteria: Invitae Variant Classification Sherloc (09022015). Collection method: clinical testing. Allele origin: germline.
Comment: Algorithms developed to predict the effect of missense changes on protein structure and function (SIFT, PolyPhen-2, Align-GVGD) all suggest that this variant is likely to be tolerated, but these predictions have not been confirmed by published functional studies and their clinical significance is uncertain. This variant has not been reported in the literature in individuals with PDGFRA-related conditions. This variant is not present in population databases (ExAC no frequency). This sequence change replaces glutamic acid with glycine at codon 386 of the PDGFRA protein (p.Glu386Gly). The glutamic acid residue is moderately conserved and there is a moderate physicochemical difference between glutamic acid and glycine. In summary, the available evidence is currently insufficient to determine the role of this variant in disease. Therefore, it has been classified as a Variant of Uncertain Significance.

NM_006206.6(PDGFRA):c.1157A>G (p.Glu386Gly)

Gene: PDGFRA (platelet derived growth factor receptor alpha; plus strand). Cytogenetic location: 4q12.
Variant type: single nucleotide variant.
Coding change: c.1157A>G on transcript NM_006206.6 (MANE Select); coding-DNA position 1157, A replaced by G.
Protein change: p.Glu386Gly; replaces glutamic acid 386 with glycine.
Molecular consequence: missense variant.
Genome position (GRCh38, 1-based): chr4:54,270,668, A>G. VCF-style: chr4-54270668-A-G. GRCh37 (hg19) VCF-style: chr4-55136835-A-G.
Other names: c.1157A>G, p.Glu386Gly (NM_001347827.2, NM_001347829.2); c.1232A>G, p.Glu411Gly (NM_001347828.2); c.1196A>G, p.Glu399Gly (NM_001347830.2); short protein forms E386G, E399G, E411G.
Identifiers: ClinVar variation 948863 (VCV000948863.11), dbSNP rs1723292919, ClinGen allele CA356891939.
Genomic context (GRCh38, chr4:54,270,668, plus strand): 5'-TGAAACAAAATCCTTTTTTTAAAAGGTATCGAAGCAAATTAAAGCTGATCCGTGCTAAGG[A>G]AGAAGACAGTGGCCATTATACTATTGTAGCTCAAAATGAAGATGCTGTGAAGAGCTATAC-3'
Protein context (NP_006197.1, residues 376-396): RSKLKLIRAK[Glu386Gly]EDSGHYTIVA